The following is an entry in ClinVar:

NM_004793.4(LONP1):c.2345C>T (p.Thr782Ile)

Gene: LONP1 (lon peptidase 1, mitochondrial; minus strand). Cytogenetic location: 19p13.3.
Variant type: single nucleotide variant.
Coding change: c.2345C>T on transcript NM_004793.4 (MANE Select); coding-DNA position 2345, C replaced by T.
Protein change: p.Thr782Ile; replaces threonine 782 with isoleucine.
Molecular consequence: missense variant. On other transcripts: non-coding transcript variant (1).
Genome position (GRCh38, 1-based): chr19:5,693,745, G>A on the plus strand (C>T on the coding strand, the complement: LONP1 is on the minus strand). VCF-style: chr19-5693745-G-A. GRCh37 (hg19) VCF-style: chr19-5693756-G-A.
Other names: c.2153C>T, p.Thr718Ile (NM_001276479.2); c.1757C>T, p.Thr586Ile (NM_001276480.1); short protein forms T586I, T718I, T782I.
Identifiers: ClinVar variation 2098510 (VCV002098510.4), dbSNP rs1386344323, ClinGen allele CA403526756.

ClinVar aggregate classification (germline): Uncertain significance (1 of 4 stars; one submission).

Allele frequency attached by ClinVar (database versions not stated): gnomAD exomes below 0.00001.
gnomAD v4.1: 2 of 1,613,926 alleles (0.00012%); highest among the groups gnomAD compares: Admixed American, 0.0017%; no homozygotes.

Submission:

Labcorp Genetics (formerly Invitae), Labcorp
Classification: Uncertain significance. Last evaluated: 2022-02-18. Review status: criteria provided, single submitter. Criteria: Invitae Variant Classification Sherloc (09022015). Collection method: clinical testing. Allele origin: germline.
Comment: This sequence change replaces threonine, which is neutral and polar, with isoleucine, which is neutral and non-polar, at codon 782 of the LONP1 protein (p.Thr782Ile). This variant is present in population databases (no rsID available, gnomAD 0.003%). This variant has not been reported in the literature in individuals affected with LONP1-related conditions. Algorithms developed to predict the effect of missense changes on protein structure and function are either unavailable or do not agree on the potential impact of this missense change (SIFT: "Deleterious"; PolyPhen-2: "Probably Damaging"; Align-GVGD: "Class C0"). In summary, the available evidence is currently insufficient to determine the role of this variant in disease. Therefore, it has been classified as a Variant of Uncertain Significance.